The following is an entry in ClinVar:

NM_001371986.1(UNC80):c.1021C>T (p.Pro341Ser)

Gene: UNC80 (unc-80 homolog, NALCN channel complex subunit; plus strand). Cytogenetic location: 2q34.
Variant type: single nucleotide variant.
Coding change: c.1021C>T on transcript NM_001371986.1 (MANE Select); coding-DNA position 1021, C replaced by T.
Protein change: p.Pro341Ser; replaces proline 341 with serine.
Molecular consequence: missense variant.
Genome position (GRCh38, 1-based): chr2:209,813,662, C>T. VCF-style: chr2-209813662-C-T. GRCh37 (hg19) VCF-style: chr2-210678386-C-T.
Other names: c.1021C>T, p.Pro341Ser (NM_032504.2, NM_182587.4); short protein forms P341S.
Identifiers: ClinVar variation 3049153 (VCV003049153.3), dbSNP rs199667714, ClinGen allele CA2082896.
Genomic context (GRCh38, chr2:209,813,662, plus strand): 5'-TGCCAAAGGTCCCGCTATGCCACCTACTTTGACGTTGCTGTTCTGCGCTGCCTACTTCAG[C>T]CCCATTGGTCTGAGGAAGGCACTCAGTGGTCTCTGATGTACTATCTACAAAGGCTGCGAC-3'
Protein context (NP_001358915.1, residues 331-351): DVAVLRCLLQ[Pro341Ser]HWSEEGTQWS

ClinVar aggregate classification (germline): Likely benign. Review status: criteria provided, single submitter (1 of 4 stars). 2 submissions from 2 submitters: Likely benign (1). 1 of the submissions does not count toward it. Last evaluated 2025-02-27.

Conditions:
UNC80-related disorder. Also called: UNC80-related condition.
Inborn genetic diseases. Identifiers: MedGen C0950123, MeSH D030342.

Allele frequency attached by ClinVar (database versions not stated): ExAC 0.00041; TOPMed 0.00085; gnomAD 0.00087; ESP Exome Variant Server 0.00131; gnomAD exomes 0.00139.
gnomAD v4.1: 2,088 of 1,551,776 alleles (0.13%); highest among the groups gnomAD compares: Non-Finnish European, 0.17%; 2 homozygotes.

Submissions (2):

Ambry Genetics
Classification: Likely benign for Inborn genetic diseases. Last evaluated: 2025-02-27. Review status: criteria provided, single submitter. Criteria: Ambry Variant Classification Scheme 2023. Collection method: clinical testing. Allele origin: germline.

PreventionGenetics, part of Exact Sciences
Classification: Likely benign for UNC80-related condition. Last evaluated: 2022-09-22. Review status: no assertion criteria provided. Collection method: clinical testing. Allele origin: germline. Not counted in ClinVar's aggregate classification.
Comment: This variant is classified as likely benign based on ACMG/AMP sequence variant interpretation guidelines (Richards et al. 2015 PMID: 25741868, with internal and published modifications).